The following is an entry in ClinVar:

NM_001005361.3(DNM2):c.2398G>A (p.Ala800Thr)

Gene: DNM2 (dynamin 2; plus strand). Cytogenetic location: 19p13.2.
Variant type: single nucleotide variant.
Coding change: c.2398G>A on transcript NM_001005361.3 (MANE Select); coding-DNA position 2398, G replaced by A.
Protein change: p.Ala800Thr; replaces alanine 800 with threonine.
Molecular consequence: missense variant.
Genome position (GRCh38, 1-based): chr19:10,830,233, G>A. VCF-style: chr19-10830233-G-A. GRCh37 (hg19) VCF-style: chr19-10940909-G-A.
Other names: c.2398G>A, p.Ala800Thr (NM_001005360.3, NM_001190716.2); c.2386G>A, p.Ala796Thr (NM_001005362.3, NM_004945.4); short protein forms A796T, A800T.
Identifiers: ClinVar variation 1790652 (VCV001790652.2), dbSNP rs771995046, ClinGen allele CA9201614.

ClinVar aggregate classification (germline): Uncertain significance (1 of 4 stars; one submission).

Conditions:
Inborn genetic diseases. Identifiers: MedGen C0950123, MeSH D030342.

Allele frequency attached by ClinVar (database versions not stated): gnomAD exomes 0.00001; ExAC 0.00002.
gnomAD v4.1: 7 of 1,613,964 alleles (0.00043%); highest among the groups gnomAD compares: Non-Finnish European, 0.00059%; no homozygotes.

Submission:

Ambry Genetics
Classification: Uncertain significance for Inborn genetic diseases. Last evaluated: 2019-09-06. Review status: criteria provided, single submitter. Criteria: Ambry Variant Classification Scheme 2023. Collection method: clinical testing. Allele origin: germline.
Comment: The p.A800T variant (also known as c.2398G>A), located in coding exon 20 of the DNM2 gene, results from a G to A substitution at nucleotide position 2398. The alanine at codon 800 is replaced by threonine, an amino acid with similar properties. This amino acid position is poorly conserved in available vertebrate species. In addition, this alteration is predicted to be tolerated by in silico analysis. Since supporting evidence is limited at this time, the clinical significance of this alteration remains unclear.